The following is an entry in ClinVar:

NM_004006.3(DMD):c.8628G>C (p.Gln2876His)

Gene: DMD (dystrophin; minus strand). Cytogenetic location: Xp21.2.
Variant type: single nucleotide variant.
Coding change: c.8628G>C on transcript NM_004006.3 (MANE Select); coding-DNA position 8628, G replaced by C.
Protein change: p.Gln2876His; replaces glutamine 2876 with histidine.
Molecular consequence: missense variant.
Genome position (GRCh38, 1-based): chrX:31,479,023, C>G on the plus strand (G>C on the coding strand, the complement: DMD is on the minus strand). VCF-style: chrX-31479023-C-G. GRCh37 (hg19) VCF-style: chrX-31497140-C-G.
Other names: p.Q2876H:CAG>CAC; c.8604G>C, p.Gln2868His (NM_000109.4); c.8616G>C, p.Gln2872His (NM_004009.3); c.8259G>C, p.Gln2753His (NM_004010.3); c.4605G>C, p.Gln1535His (NM_004011.4); c.4596G>C, p.Gln1532His (NM_004012.4); c.1248G>C, p.Gln416His (NM_004013.3, NM_004020.4, NM_004021.3 and 2 more transcripts); c.441G>C, p.Gln147His (NM_004014.3); short protein forms Q2876H, Q147H, Q1535H, Q2868H, Q416H, Q1532H, Q2753H, Q2872H.
Identifiers: ClinVar variation 201756 (VCV000201756.7), dbSNP rs777817144, ClinGen allele CA308413.

ClinVar aggregate classification (germline): Uncertain significance. Review status: criteria provided, multiple submitters, no conflicts (2 of 4 stars). 2 submissions from 2 submitters: Uncertain significance (2). Last evaluated 2022-12-10.

Conditions:
Duchenne muscular dystrophy (DMD). Also called: MUSCULAR DYSTROPHY, PSEUDOHYPERTROPHIC PROGRESSIVE, DUCHENNE TYPE; Duchenne Muscular Dystrophy (DMD). Identifiers: Orphanet 98896, MedGen C0013264, MONDO:0010679, OMIM 310200.

Allele frequency attached by ClinVar (database versions not stated): ExAC 0.00001; gnomAD 0.00001; gnomAD exomes 0.00001; 1000 Genomes Project 30x 0.00021.
gnomAD v4.1: 1 of 1,207,796 alleles (0.000083%); highest among the groups gnomAD compares: African/African-American, 0.0018%; no homozygotes.

Submissions (2):

Labcorp Genetics (formerly Invitae), Labcorp
Classification: Uncertain significance for Duchenne muscular dystrophy. Last evaluated: 2022-12-10. Review status: criteria provided, single submitter. Criteria: Invitae Variant Classification Sherloc (09022015). Collection method: clinical testing. Allele origin: germline.
Comment: This variant is present in population databases (rs777817144, gnomAD 0.008%). In summary, the available evidence is currently insufficient to determine the role of this variant in disease. Therefore, it has been classified as a Variant of Uncertain Significance. Advanced modeling of protein sequence and biophysical properties (such as structural, functional, and spatial information, amino acid conservation, physicochemical variation, residue mobility, and thermodynamic stability) performed at Invitae indicates that this missense variant is not expected to disrupt DMD protein function. ClinVar contains an entry for this variant (Variation ID: 201756). This variant has not been reported in the literature in individuals affected with DMD-related conditions. This sequence change replaces glutamine, which is neutral and polar, with histidine, which is basic and polar, at codon 2876 of the DMD protein (p.Gln2876His).

GeneDx
Classification: Uncertain significance. Last evaluated: 2014-09-05. Review status: criteria provided, single submitter. Criteria: GeneDx Variant Classification (06012015). Collection method: clinical testing. Allele origin: germline. Affected: yes.
Comment: p.Gln2876His (CAG>CAC): c.8628 G>C in exon 58 of the DMD gene (NM_004006.2). A variant of unknown significance has been identified in the DMD gene. The Q2876H variant has not been published as a mutation or as a benign polymorphism to our knowledge. The Q2876H variant was not observed with any significant frequency in approximately 6,500 individuals of European and African American ancestry in the NHLBI Exome Sequencing Project. The Q2876H variant is a semi-conservative amino acid substitution, which may impact secondary protein structure as these residues differ in some properties. This substitution occurs at a position that is moderately conserved across species. In addition, in silico analysis is inconsistent in its predictions as to whether or not the variant is damaging to the protein structure/function. No missense mutations in nearby residues have been reported in association with DMD-related disorder, indicating this region of the protein may be tolerant of change. Finally, the majority of disease-causing mutations in the DMD gene are exon-level deletions or duplications. Therefore, based on the currently available information, it is unclear whether this variant is a pathogenic mutation or a rare benign variant. The variant is found in CARDIOMYOPATHY panel(s).